The following is an entry in ClinVar:

ClinVar aggregate classification (germline): Likely benign. Review status: criteria provided, multiple submitters, no conflicts (2 of 4 stars). 3 submissions from 3 submitters: Likely benign (3). Last evaluated 2026-06-23.

Conditions:
Autosomal dominant hypocalcemia 1 (HYPOC1). Also called: HYPOCALCEMIA, FAMILIAL. Identifiers: MedGen C3715128, MONDO:0011013, OMIM 601198.
Familial hypocalciuric hypercalcemia (FHH). Also called: Familial benign hypercalcemia. Identifiers: Orphanet 405, MedGen C1809471, MONDO:0018458.
CASR-related disorder. Also called: CASR-related condition.
Nephrolithiasis/nephrocalcinosis. Identifiers: MedGen CN580796.

Allele frequency attached by ClinVar (database versions not stated): gnomAD 0.00001; gnomAD exomes 0.00001; TOPMed 0.00001.
gnomAD v4.1: 17 of 1,614,050 alleles (0.0011%); highest among the groups gnomAD compares: Non-Finnish European, 0.0014%; no homozygotes.

Submissions (3):

PreventionGenetics, part of Exact Sciences
Classification: Likely benign for CASR-related condition. Last evaluated: 2026-06-23. Review status: criteria provided, single submitter. Criteria: ACMG Guidelines, 2015. Collection method: clinical testing. Allele origin: germline.
Comment: This variant is classified as likely benign based on ACMG/AMP sequence variant interpretation guidelines (Richards et al. 2015 PMID: 25741868, with internal and published modifications).

Labcorp Genetics (formerly Invitae), Labcorp
Classification: Likely benign for Familial hypocalciuric hypercalcemia; Autosomal dominant hypocalcemia 1. Last evaluated: 2025-06-02. Review status: criteria provided, single submitter. Criteria: Invitae Variant Classification Sherloc (09022015). Collection method: clinical testing. Allele origin: germline.

Ambry Genetics
Classification: Likely benign for Nephrolithiasis/nephrocalcinosis. Last evaluated: 2018-11-21. Review status: criteria provided, single submitter. Criteria: Ambry Variant Classification Scheme 2023. Collection method: clinical testing. Allele origin: germline.

NM_000388.4(CASR):c.579G>A (p.Gln193=)

Gene: CASR (calcium sensing receptor; plus strand). Cytogenetic location: 3q21.1.
Variant type: single nucleotide variant.
Coding change: c.579G>A on transcript NM_000388.4 (MANE Select); coding-DNA position 579, G replaced by A.
Protein change: p.Gln193=; no amino-acid change (glutamine 193 retained).
Molecular consequence: synonymous variant.
Genome position (GRCh38, 1-based): chr3:122,261,614, G>A. VCF-style: chr3-122261614-G-A. GRCh37 (hg19) VCF-style: chr3-121980461-G-A.
Other names: c.579G>A (NM_001178065.1); c.579G>A, p.Gln193= (NM_001178065.2).
Identifiers: ClinVar variation 532625 (VCV000532625.17), dbSNP rs933291696, ClinGen allele CA82738262.